The following is an entry in ClinVar:

ClinVar aggregate classification (germline): Uncertain significance (1 of 4 stars; one submission).

Conditions:
Familial focal epilepsy with variable foci (FPEVF). Identifiers: Orphanet 98820, MedGen C1858477, MONDO:0020310.

Submission:

Labcorp Genetics (formerly Invitae), Labcorp
Classification: Uncertain significance for Familial focal epilepsy with variable foci. Last evaluated: 2024-12-02. Review status: criteria provided, single submitter. Criteria: Invitae Variant Classification Sherloc (09022015). Collection method: clinical testing. Allele origin: germline.
Comment: This sequence change replaces arginine, which is basic and polar, with leucine, which is neutral and non-polar, at codon 988 of the DEPDC5 protein (p.Arg988Leu). This variant is not present in population databases (gnomAD no frequency). This variant has not been reported in the literature in individuals affected with DEPDC5-related conditions. ClinVar contains an entry for this variant (Variation ID: 1713939). Experimental studies and prediction algorithms are not available or were not evaluated, and the functional significance of this variant is currently unknown. In summary, the available evidence is currently insufficient to determine the role of this variant in disease. Therefore, it has been classified as a Variant of Uncertain Significance.

NM_001242896.3(DEPDC5):c.2963G>T (p.Arg988Leu)

Gene: DEPDC5 (DEP domain containing 5, GATOR1 subcomplex subunit; plus strand). Cytogenetic location: 22q12.3.
Variant type: single nucleotide variant.
Coding change: c.2963G>T on transcript NM_001242896.3 (MANE Select); coding-DNA position 2963, G replaced by T.
Protein change: p.Arg988Leu; replaces arginine 988 with leucine.
Molecular consequence: missense variant. On other transcripts: non-coding transcript variant (5).
Genome position (GRCh38, 1-based): chr22:31,845,179, G>T. VCF-style: chr22-31845179-G-T. GRCh37 (hg19) VCF-style: chr22-32241165-G-T.
Other names: c.2936G>T, p.Arg979Leu (NM_001136029.4, NM_001369903.1, NM_014662.6); c.2729G>T, p.Arg910Leu (NM_001242897.2, NM_001363854.2, NM_001364319.2); c.2963G>T, p.Arg988Leu (NM_001363852.2, NM_001364318.2, NM_001364320.2); c.2879G>T, p.Arg960Leu (NM_001369901.1, NM_001369902.1); short protein forms R910L, R960L, R979L, R988L.
Identifiers: ClinVar variation 1713939 (VCV001713939.5), dbSNP rs2520190701, ClinGen allele CA411291341.
Genomic context (GRCh38, chr22:31,845,179, plus strand): 5'-TCTATGGGGACAGGCCCCGTGCAGACGAGGACGAGTGGCAACTCCTGGATGGTTTTGTCC[G>T]CTTTGTGGAGGGCTTGAATCGCATTCGCAGGCGGCATCGCTCGGATCGCATGATGCGGGT-3'
Protein context (NP_001229825.1, residues 978-998): DEWQLLDGFV[Arg988Leu]FVEGLNRIRR